The following is an entry in ClinVar:

ClinVar aggregate classification (germline): Likely benign. Review status: criteria provided, multiple submitters, no conflicts (2 of 4 stars). 2 submissions from 2 submitters: Likely benign (2). Last evaluated 2026-04-01.

gnomAD v4.1: 1,085 of 1,613,556 alleles (0.067%); highest among the groups gnomAD compares: Non-Finnish European, 0.085%; no homozygotes.

Submissions (2):

CeGaT Center for Human Genetics Tuebingen
Classification: Likely benign. Last evaluated: 2026-04-01. Review status: criteria provided, single submitter. Criteria: CeGaT Center For Human Genetics Tuebingen Variant Classification Criteria Version 2. Collection method: clinical testing. Allele origin: germline. Affected: yes. Observed: 2 variant alleles.
Comment: MACF1: BP4, BP7

Blueprint Genetics
Classification: Likely benign. Last evaluated: 2023-01-25. Review status: criteria provided, single submitter. Criteria: ACMG Guidelines, 2015. Collection method: clinical testing. Allele origin: germline.

NM_001394062.1(MACF1):c.9102A>T (p.Gly3034=)

Gene: MACF1 (microtubule actin crosslinking factor 1; plus strand). Cytogenetic location: 1p34.3.
Variant type: single nucleotide variant.
Coding change: c.9102A>T on transcript NM_001394062.1 (MANE Select); coding-DNA position 9102, A replaced by T.
Protein change: p.Gly3034=; no amino-acid change (glycine 3034 retained).
Molecular consequence: synonymous variant. On other transcripts: intron variant (1).
Genome position (GRCh38, 1-based): chr1:39,335,690, A>T. VCF-style: chr1-39335690-A-T. GRCh37 (hg19) VCF-style: chr1-39801362-A-T.
Other names: c.4629+8337A>T (NM_012090.5).
Identifiers: ClinVar variation 3770958 (VCV003770958.14).